The following is an entry in ClinVar:

ClinVar aggregate classification (germline): Benign (1 of 4 stars; one submission).

Allele frequency attached by ClinVar (database versions not stated): gnomAD exomes 0.00034; 1000 Genomes Project 0.00140; 1000 Genomes Project 30x 0.00141; gnomAD 0.00304.
gnomAD v4.1: 553 of 398,498 alleles (0.14%); highest among the groups gnomAD compares: African/African-American, 1%; 1 homozygote.

Submission:

CeGaT Center for Human Genetics Tuebingen
Classification: Benign. Last evaluated: 2026-06-01. Review status: criteria provided, single submitter. Criteria: CeGaT Center For Human Genetics Tuebingen Variant Classification Criteria Version 2. Collection method: clinical testing. Allele origin: germline. Affected: yes. Observed: 3 variant alleles.
Comment: KCNQ1OT1: BS1, BS2

NM_000218.3(KCNQ1):c.1393+25752G>C

Genes: KCNQ1 (potassium voltage-gated channel subfamily Q member 1; plus strand), KCNQ1OT1 (KCNQ1 opposite strand/antisense transcript 1; minus strand). Cytogenetic location: 11p15.5.
Variant type: single nucleotide variant.
Coding change: c.1393+25752G>C on transcript NM_000218.3 (MANE Select); 25752 bases into the intron after coding-DNA position 1393, G replaced by C.
Molecular consequence: intron variant. On other transcripts: non-coding transcript variant (1).
Genome position (GRCh38, 1-based): chr11:2,614,606, G>C. VCF-style: chr11-2614606-G-C. GRCh37 (hg19) VCF-style: chr11-2635836-G-C.
Other names: c.1123+25752G>C (NM_001406837.1); c.1297+25752G>C (NM_001406836.1); c.853+25752G>C (NM_001406838.1); c.1012+25752G>C (NM_181798.2).
Identifiers: ClinVar variation 3026384 (VCV003026384.22), dbSNP rs149646967, ClinGen allele CA216358906.